The following is an entry in ClinVar:

NC_000009.12:g.113275646C>T

Gene: PRPF4 (pre-mRNA splicing tri-snRNP complex factor PRPF4; plus strand). Cytogenetic location: 9q32.
Variant type: single nucleotide variant.
Genome position: GRCh38 VCF-style: chr9-113275646-C-T. GRCh37 (hg19) VCF-style: chr9-116037926-C-T.
Identifiers: ClinVar variation 2785060 (VCV002785060.3), dbSNP rs2490775455, ClinGen allele CA2691281769.
Genomic context (GRCh38, chr9:113,275,646, plus strand): 5'-CTCCGCGCCGCTCCGGGGGCGGTGACCCCTCTTGGCCCACGTCTTGTCAGTGACGCACTT[C>T]CTGTCAGTGACGCACTTCCCCTCTGCTGGGCGCGCGGTGGACGGTCTGAAAGGGAGTGTT-3'

ClinVar aggregate classification (germline): Uncertain significance (1 of 4 stars; one submission).

Allele frequency attached by ClinVar (database versions not stated): gnomAD exomes below 0.00001.

Submission:

Labcorp Genetics (formerly Invitae), Labcorp
Classification: Uncertain significance. Last evaluated: 2022-12-20. Review status: criteria provided, single submitter. Criteria: Invitae Variant Classification Sherloc (09022015). Collection method: clinical testing. Allele origin: germline.
Comment: In summary, the available evidence is currently insufficient to determine the role of this variant in disease. Therefore, it has been classified as a Variant of Uncertain Significance. This variant has not been reported in the literature in individuals affected with PRPF4-related conditions. This variant is not present in population databases (gnomAD no frequency). This variant occurs in a non-coding region of the PRPF4 gene. It does not change the encoded amino acid sequence of the PRPF4 protein.